The following is an entry in ClinVar:

ClinVar aggregate classification (germline): Uncertain significance (1 of 4 stars; one submission).

Conditions:
Hydrocephalus, congenital communicating, 1. Also called: HYDROCEPHALUS, CONGENITAL, 4. Identifiers: MedGen C5231454, MONDO:0032862, OMIM 618667.

gnomAD v4.1: 2 of 1,614,022 alleles (0.00012%); highest among the groups gnomAD compares: Non-Finnish European, 0.00017%; no homozygotes.

Submission:

Laboratorio de Genetica e Diagnostico Molecular, Hospital Israelita Albert Einstein
Classification: Uncertain significance for Hydrocephalus, congenital communicating, 1. Last evaluated: 2021-07-05. Review status: criteria provided, single submitter. Criteria: ACMG Guidelines, 2015. Collection method: clinical testing. Allele origin: germline. Affected: yes.
Comment: ACMG classification criteria: PM2 moderate

NM_001039111.3(TRIM71):c.2129C>G (p.Ser710Cys)

Gene: TRIM71 (tripartite motif containing 71; plus strand). Cytogenetic location: 3p22.3.
Variant type: single nucleotide variant.
Coding change: c.2129C>G on transcript NM_001039111.3 (MANE Select); coding-DNA position 2129, C replaced by G.
Protein change: p.Ser710Cys; replaces serine 710 with cysteine.
Molecular consequence: missense variant.
Genome position (GRCh38, 1-based): chr3:32,891,333, C>G. VCF-style: chr3-32891333-C-G. GRCh37 (hg19) VCF-style: chr3-32932825-C-G.
Other names: short protein forms S710C.
Identifiers: ClinVar variation 1683521 (VCV001683521.2), dbSNP rs1483016798, ClinGen allele CA351993346.
Genomic context (GRCh38, chr3:32,891,333, plus strand): 5'-TTGGTGAGAAAGGAACCAAGAATGGGCAGTTCAACTACCCTTGGGATGTGGCGGTGAATT[C>G]TGAGGGCAAGATCCTGGTCTCAGACACGAGGAACCACCGGATCCAGCTGTTTGGGCCTGA-3'
Protein context (NP_001034200.1, residues 700-720): FNYPWDVAVN[Ser710Cys]EGKILVSDTR